The following is an entry in ClinVar:

ClinVar aggregate classification (germline): Conflicting classifications of pathogenicity. Review status: criteria provided, conflicting classifications (1 of 4 stars). 2 submissions from 2 submitters: Uncertain significance (1); Likely benign (1). Last evaluated 2025-12-17.

Conditions:
TARS1-related disorder. Also called: TARS1-related condition.

Allele frequency attached by ClinVar (database versions not stated): gnomAD 0.00080; gnomAD exomes 0.00085; TOPMed 0.00102; 1000 Genomes Project 0.00060; 1000 Genomes Project 30x 0.00062; ExAC 0.00064; ESP Exome Variant Server 0.00069.
gnomAD v4.1: 1,370 of 1,614,042 alleles (0.085%); highest among the groups gnomAD compares: Admixed American, 0.26%; 5 homozygotes.

Submissions (2):

PreventionGenetics, part of Exact Sciences
Classification: Likely benign for TARS1-related condition. Last evaluated: 2025-12-17. Review status: criteria provided, single submitter. Criteria: ACMG Guidelines, 2015. Collection method: clinical testing. Allele origin: germline.
Comment: This variant is classified as likely benign based on ACMG/AMP sequence variant interpretation guidelines (Richards et al. 2015 PMID: 25741868, with internal and published modifications).

Ambry Genetics
Classification: Uncertain significance. Last evaluated: 2025-02-23. Review status: criteria provided, single submitter. Criteria: Ambry Variant Classification Scheme 2023. Collection method: clinical testing. Allele origin: germline.

NM_152295.5(TARS1):c.2104T>C (p.Ser702Pro)

Gene: TARS1 (threonyl-tRNA synthetase 1; plus strand). Cytogenetic location: 5p13.3.
Variant type: single nucleotide variant.
Coding change: c.2104T>C on transcript NM_152295.5 (MANE Select); coding-DNA position 2104, T replaced by C.
Protein change: p.Ser702Pro; replaces serine 702 with proline.
Molecular consequence: missense variant. On other transcripts: non-coding transcript variant (3).
Genome position (GRCh38, 1-based): chr5:33,467,640, T>C. VCF-style: chr5-33467640-T-C. GRCh37 (hg19) VCF-style: chr5-33467745-T-C.
Other names: c.2104T>C, p.Ser702Pro (NM_001258437.1); c.2203T>C, p.Ser735Pro (NM_001258438.2); c.2071T>C, p.Ser691Pro (NM_003191.1); c.2203T>C (NM_001258438.1); short protein forms S691P, S702P, S735P.
Identifiers: ClinVar variation 3173894 (VCV003173894.3), dbSNP rs149814333, ClinGen allele CA3223614.
Genomic context (GRCh38, chr5:33,467,640, plus strand): 5'-ATCAGTGGCACTGTTAATATCCGCACAAGAGACAATAAGGTCCACGGGGAACGCACCATT[T>C]CTGAAACTATCGAGCGGCTACAGCAGCTCAAAGAGTTCCGCAGCAAACAGGCAGAAGAAG-3'
Protein context (NP_689508.3, residues 692-712): DNKVHGERTI[Ser702Pro]ETIERLQQLK